The following is an entry in ClinVar:

NM_001009944.3(PKD1):c.1607-2A>C

Gene: PKD1 (polycystin 1, transient receptor potential channel interacting; minus strand). Cytogenetic location: 16p13.3.
Variant type: single nucleotide variant.
Coding change: c.1607-2A>C on transcript NM_001009944.3 (MANE Select); the canonical splice acceptor site of the intron before coding-DNA position 1607, A replaced by C.
Molecular consequence: splice acceptor variant.
Genome position (GRCh38, 1-based): chr16:2,116,646, T>G on the plus strand (A>C on the coding strand, the complement: PKD1 is on the minus strand). VCF-style: chr16-2116646-T-G. GRCh37 (hg19) VCF-style: chr16-2166647-T-G.
Other names: c.1607-2A>C (NM_000296.4).
Identifiers: ClinVar variation 3254868 (VCV003254868.1), dbSNP rs2544870219.

ClinVar aggregate classification (germline): Likely pathogenic (1 of 4 stars; one submission).

Conditions:
Polycystic kidney disease, adult type (PKD1). Also called: Polycystic Kidney Disease 1, Autosomal Dominant; Polycystic kidney disease 1; Polycystic kidney disease 1, severe; POLYCYSTIC KIDNEY DISEASE 1 WITH OR WITHOUT POLYCYSTIC LIVER DISEASE; POLYCYSTIC KIDNEY DISEASE, ADULT, TYPE I; Polycystic Kidney, Autosomal Dominant. Identifiers: MedGen C3149841, MONDO:0008263, OMIM 173900.

Submission:

Victorian Clinical Genetics Services, Murdoch Childrens Research Institute
Classification: Likely pathogenic for Polycystic kidney disease, adult type. Last evaluated: 2023-07-17. Review status: criteria provided, single submitter. Criteria: ACMG Guidelines, 2015. Collection method: clinical testing. Allele origin: germline. Inheritance: Autosomal dominant inheritance. Affected: yes.
Comment: Based on the classification scheme VCGS_Germline_v1.3.4, this variant is classified as Likely pathogenic. Following criteria are met: 0102 - Loss of function is a known mechanism of disease in this gene and is associated with polycystic kidney disease 1 (MIM#173900). (I) 0107 - This gene is associated with autosomal dominant disease. Polycystic kidney disease 1 (MIM#173900) is predominantly caused by monoallelic variants, with rare reports of biallelic variants causing disease (OMIM). (I) 0211 - Canonical splice site variant without proven consequence on splicing (no functional evidence available). (SP) 0251 - This variant is heterozygous. (I) 0301 - Variant is absent from gnomAD (both v2 and v3). (SP) 0505 - Abnormal splicing is predicted by in silico tools and affected nucleotide is highly conserved. (SP) 0705 - No comparable splice site variants have previous evidence for pathogenicity. (I) 0807 - This variant has no previous evidence of pathogenicity. (I) 0905 - No published segregation evidence has been identified for this variant. (I) 1007 - No published functional evidence has been identified for this variant. (I) 1208 - Inheritance information for this variant is not currently available in this individual. (I) Legend: (SP) - Supporting pathogenic, (I) - Information, (SB) - Supporting benign